The following is an entry in ClinVar:

ClinVar aggregate classification (germline): Uncertain significance (1 of 4 stars; one submission).

Submission:

Labcorp Genetics (formerly Invitae), Labcorp
Classification: Uncertain significance. Last evaluated: 2022-04-24. Review status: criteria provided, single submitter. Criteria: Invitae Variant Classification Sherloc (09022015). Collection method: clinical testing. Allele origin: germline.
Comment: Algorithms developed to predict the effect of missense changes on protein structure and function are either unavailable or do not agree on the potential impact of this missense change (SIFT: "Deleterious"; PolyPhen-2: "Probably Damaging"; Align-GVGD: "Class C0"). This sequence change replaces isoleucine, which is neutral and non-polar, with threonine, which is neutral and polar, at codon 429 of the KMT2A protein (p.Ile429Thr). This variant is not present in population databases (gnomAD no frequency). This variant has not been reported in the literature in individuals affected with KMT2A-related conditions. In summary, the available evidence is currently insufficient to determine the role of this variant in disease. Therefore, it has been classified as a Variant of Uncertain Significance.

NM_001197104.2(KMT2A):c.1286T>C (p.Ile429Thr)

Gene: KMT2A (lysine methyltransferase 2A; plus strand). Cytogenetic location: 11q23.3.
Variant type: single nucleotide variant.
Coding change: c.1286T>C on transcript NM_001197104.2 (MANE Select); coding-DNA position 1286, T replaced by C.
Protein change: p.Ile429Thr; replaces isoleucine 429 with threonine.
Molecular consequence: missense variant.
Genome position (GRCh38, 1-based): chr11:118,472,445, T>C. VCF-style: chr11-118472445-T-C. GRCh37 (hg19) VCF-style: chr11-118343160-T-C.
Other names: c.1385T>C, p.Ile462Thr (NM_001412597.1); c.1286T>C, p.Ile429Thr (NM_005933.4); short protein forms I462T, I429T.
Identifiers: ClinVar variation 2130278 (VCV002130278.4), dbSNP rs2496797823, ClinGen allele CA382809777.